The following is an entry in ClinVar:

NM_000488.4(SERPINC1):c.1246G>C (p.Ala416Pro)

Gene: SERPINC1 (serpin family C member 1; minus strand). Cytogenetic location: 1q25.1.
Variant type: single nucleotide variant.
Coding change: c.1246G>C on transcript NM_000488.4 (MANE Select); coding-DNA position 1246, G replaced by C.
Protein change: p.Ala416Pro; replaces alanine 416 with proline.
Molecular consequence: missense variant.
Genome position (GRCh38, 1-based): chr1:173,904,038, C>G on the plus strand (G>C on the coding strand, the complement: SERPINC1 is on the minus strand). VCF-style: chr1-173904038-C-G. GRCh37 (hg19) VCF-style: chr1-173873176-C-G.
Other names: A384P; NM_000488.4(SERPINC1):c.1246G>C; c.1102G>C, p.Ala368Pro (NM_001365052.2); c.1369G>C, p.Ala457Pro (NM_001386302.1); c.1327G>C, p.Ala443Pro (NM_001386303.1); c.1225G>C, p.Ala409Pro (NM_001386304.1); c.1189G>C, p.Ala397Pro (NM_001386305.1); c.1030G>C, p.Ala344Pro (NM_001386306.1); and 1 more; short protein forms A416P, A368P, A344P, A397P, A409P, A443P, A457P.
Identifiers: ClinVar variation 18007 (VCV000018007.28), dbSNP rs121909548, ClinGen allele CA210750.
Genomic context (GRCh38, chr1:173,904,038, plus strand): 5'-CCTTGAAAGTCACCCTGTTGGGGTTTAGCGAACGGCCAGCAATCACAACAGCGGTACTTG[C>G]AGCTGCTTCACTGCCTTCTTCATTTACCTGCAGGTCACATGGGAAATAAAACTAAATTAG-3'
Protein context (NP_000479.1, residues 406-426): EVNEEGSEAA[Ala416Pro]STAVVIAGRS

ClinVar aggregate classification (germline): Pathogenic. Review status: reviewed by expert panel (3 of 4 stars). 6 submissions from 6 submitters: Pathogenic (1). 5 of the submissions do not count toward it. Last evaluated 2024-12-20.

Conditions:
Thrombophilia with a likely monogenic cause.
Hereditary antithrombin deficiency (AT3D). Also called: Reduced antithrombin III activity; Antithrombin deficiency; Antithrombin III deficiency; Thrombophilia due to antithrombin III deficiency. Identifiers: Orphanet 82, MedGen C0272375, MONDO:0013144, OMIM 613118, HP:0001976.

Submissions (6):

Clingen Thrombosis Variant Curation Expert Panel, ClinGen
Classification: Pathogenic for Hereditary antithrombin deficiency. Last evaluated: 2024-12-20. Review status: reviewed by expert panel. Criteria: ClinGen ACMG Specifications SERPINC1 V1.0.0. Collection method: curation. Allele origin: germline. Inheritance: Autosomal dominant inheritance.
Comment: The c.1246G>C variant in SERPINC1 is a missense variant predicted to cause substitution of alanine by proline at amino acid 416 (p.Ala416Pro). At least one patient with this variant displayed an antithrombin activity level of < 0.8 IU/mL and abnormal crossed electrophoresis, which is highly specific for autosomal dominant hereditary antithrombin deficiency (PP4, PMID:4082101). This variant has been reported in two more probands meeting an antithrombin activity level of < 0.8 IU/mL and a family history of disease with reported decreased antithrombin activity levels (PS4_Moderate; PMID:24583439, 2093312). The variant has been reported to segregate with autosomal dominant hereditary antithrombin deficiency in at least 9 affected meioses from 4 families (PP1_Strong; PMID:33725558, 4082101, 24583439, 2093312). This variant resides within an reactive site residues (Ala416) of SERPINC1 that is defined as a critical functional domain by the ClinGen Thrombosis VCEP (PM1). Another missense variant c.1246G>T (p.Ala416Ser) (ClinVarID:18023) in the same codon has been classified as pathogenic for autosomal dominant hereditary antithrombin deficiency by the ClinGen Thrombosis VCEP (PM5). The computational predictor REVEL gives a score of 0.837, which is above the threshold of 0.6, evidence that correlates with impact to SERPINC1 function (PP3). This variant is absent from gnomAD v4.1.0 (PM2_Supporting). In summary, this variant meets the criteria to be classified as pathogenic for autosomal dominant hereditary antithrombin deficiency based on the ACMG/AMP criteria applied, as specified by the ClinGen Thrombosis VCEP: PP1_strong, PM1, PM5, PS4_moderate, PP3, PP4, PM2_supporting.

Labcorp Genetics (formerly Invitae), Labcorp
Classification: Pathogenic for Hereditary antithrombin deficiency. Last evaluated: 2024-12-27. Review status: criteria provided, single submitter. Criteria: Invitae Variant Classification Sherloc (09022015). Collection method: clinical testing. Allele origin: germline. Not counted in ClinVar's aggregate classification.
Comment: This sequence change replaces alanine, which is neutral and non-polar, with proline, which is neutral and non-polar, at codon 416 of the SERPINC1 protein (p.Ala416Pro). This variant is not present in population databases (gnomAD no frequency). This missense change has been observed in individuals with antithrombin III deficiency (PMID: 2093312, 2776881, 24583439, 27838551, 33725558). It has also been observed to segregate with disease in related individuals. This variant is also known as p.Ala384Pro. ClinVar contains an entry for this variant (Variation ID: 18007). Invitae Evidence Modeling of protein sequence and biophysical properties (such as structural, functional, and spatial information, amino acid conservation, physicochemical variation, residue mobility, and thermodynamic stability) indicates that this missense variant is expected to disrupt SERPINC1 protein function with a positive predictive value of 95%. For these reasons, this variant has been classified as Pathogenic.

Mayo Clinic Laboratories, Mayo Clinic
Classification: Pathogenic. Last evaluated: 2024-12-09. Review status: criteria provided, single submitter. Criteria: ACMG Guidelines, 2015. Collection method: clinical testing. Allele origin: germline. Observed: 1 variant allele. Not counted in ClinVar's aggregate classification.
Comment: PP1_strong, PP3, PM1, PM2_supporting, PM5, PS4

North West Genomic Laboratory Hub, Manchester University NHS Foundation Trust
Classification: Pathogenic for Thrombophilia with a likely monogenic cause. Last evaluated: 2024-07-17. Review status: criteria provided, single submitter. Criteria: ACGS Best Practice Guidelines for Variant Classification in Rare Disease 2020. Collection method: clinical testing. Allele origin: germline. Affected: yes. Not counted in ClinVar's aggregate classification.
Comment: PP1_Str PM2_Mod PP3_Supp PS4_Mod PP4_Supp

CeGaT Center for Human Genetics Tuebingen
Classification: Likely pathogenic. Last evaluated: 2023-12-01. Review status: criteria provided, single submitter. Criteria: CeGaT Center For Human Genetics Tuebingen Variant Classification Criteria Version 2. Collection method: clinical testing. Allele origin: germline. Affected: yes. Observed: 1 variant allele. Not counted in ClinVar's aggregate classification.
Comment: SERPINC1: PM1, PM2, PP1:Moderate, PS4:Moderate, PP4

OMIM
Classification: Pathogenic for THROMBOPHILIA DUE TO ANTITHROMBIN III DEFICIENCY. Last evaluated: 1990-08-15. Review status: no assertion criteria provided. Collection method: literature only. Allele origin: germline. Not counted in ClinVar's aggregate classification.

Literature cited by the submitters: PubMed 2093312 (cited by 3 submitters); PubMed 2776881 (cited by Labcorp Genetics (formerly Invitae), Labcorp and Mayo Clinic Laboratories, Mayo Clinic); PubMed 24583439 (cited by Labcorp Genetics (formerly Invitae), Labcorp and Mayo Clinic Laboratories, Mayo Clinic); PubMed 27838551 (cited by Labcorp Genetics (formerly Invitae), Labcorp); PubMed 33725558 (cited by Labcorp Genetics (formerly Invitae), Labcorp and Mayo Clinic Laboratories, Mayo Clinic); PubMed 1906811 (cited by Mayo Clinic Laboratories, Mayo Clinic); PubMed 2615648 (cited by Mayo Clinic Laboratories, Mayo Clinic and OMIM); PubMed 6871107 (cited by OMIM); PubMed 4082101 (cited by OMIM); PubMed 2794060 (cited by OMIM); PubMed 2349545 (cited by OMIM).